The following is an entry in ClinVar:

NM_001687.5(ATP5F1D):c.479A>C (p.Asn160Thr)

Genes: ATP5F1D (ATP synthase F1 subunit delta; plus strand), LOC130062904 (ATAC-STARR-seq lymphoblastoid silent region 9674; plus strand). Cytogenetic location: 19p13.3.
Variant type: single nucleotide variant.
Coding change: c.479A>C on transcript NM_001687.5 (MANE Select); coding-DNA position 479, A replaced by C.
Protein change: p.Asn160Thr; replaces asparagine 160 with threonine.
Molecular consequence: missense variant.
Genome position (GRCh38, 1-based): chr19:1,244,409, A>C. VCF-style: chr19-1244409-A-C. GRCh37 (hg19) VCF-style: chr19-1244408-A-C.
Other names: c.479A>C, p.Asn160Thr (NM_001001975.2); short protein forms N160T.
Identifiers: ClinVar variation 2992664 (VCV002992664.3), dbSNP rs372801460, ClinGen allele CA402982442.

ClinVar aggregate classification (germline): Uncertain significance (1 of 4 stars; one submission).

gnomAD v4.1: 9 of 1,563,506 alleles (0.00058%); highest among the groups gnomAD compares: African/African-American, 0.0014%; no homozygotes.

Submission:

Labcorp Genetics (formerly Invitae), Labcorp
Classification: Uncertain significance. Last evaluated: 2023-04-18. Review status: criteria provided, single submitter. Criteria: Invitae Variant Classification Sherloc (09022015). Collection method: clinical testing. Allele origin: germline.
Comment: In summary, the available evidence is currently insufficient to determine the role of this variant in disease. Therefore, it has been classified as a Variant of Uncertain Significance. An algorithm developed to predict the effect of missense changes on protein structure and function (PolyPhen-2) suggests that this variant is likely to be tolerated. This variant has not been reported in the literature in individuals affected with ATP5D-related conditions. This variant is not present in population databases (gnomAD no frequency). This sequence change replaces asparagine, which is neutral and polar, with threonine, which is neutral and polar, at codon 160 of the ATP5D protein (p.Asn160Thr).